The following is an entry in ClinVar:

ClinVar aggregate classification (germline): Pathogenic/Likely pathogenic. Review status: criteria provided, multiple submitters, no conflicts (2 of 4 stars). 4 submissions from 4 submitters: Pathogenic (3); Likely pathogenic (1). Last evaluated 2026-06-01.

Conditions:
Bethlem myopathy 1B (BTHLM1B). Identifiers: MedGen C5935580, MONDO:0958233, OMIM 620725.
Bethlem myopathy 1A. Also called: MYOPATHY, BENIGN CONGENITAL, WITH CONTRACTURES; Bethlem Muscular Dystrophy; Bethlem myopathy 1. Identifiers: Orphanet 610, MedGen CN029274, MONDO:0024530, OMIM 158810.

Submissions (4):

CeGaT Center for Human Genetics Tuebingen
Classification: Pathogenic. Last evaluated: 2026-06-01. Review status: criteria provided, single submitter. Criteria: CeGaT Center For Human Genetics Tuebingen Variant Classification Criteria Version 2. Collection method: clinical testing. Allele origin: germline. Affected: yes. Observed: 1 variant allele.
Comment: COL6A2: PVS1:Strong, PM2, PM6, PS4:Moderate, PS1:Supporting

Athena Diagnostics
Classification: Pathogenic. Last evaluated: 2025-03-20. Review status: criteria provided, single submitter. Criteria: Athena Diagnostics Criteria. Collection method: clinical testing. Allele origin: unknown.
Comment: This variant has not been reported in large, multi-ethnic general populations. This variant is expected to maintain the transcript reading frame. However, it disrupts a critical region of the protein, and therefore, is expected to severely disrupt function. This variant has been confirmed to occur de novo in multiple individuals with Ullrich congenital muscular dystrophy.

Dubai Health Genomic Medicine Center, Dubai Health
Classification: Likely pathogenic for Bethlem myopathy 1. Last evaluated: 2024-10-04. Review status: criteria provided, single submitter. Criteria: ACMG Guidelines, 2015. Collection method: research. Allele origin: germline. Affected: yes.
Comment: PVS1,PM2

Laboratory of Medical Genetics, National & Kapodistrian University of Athens
Classification: Pathogenic for Bethlem myopathy 1B. Last evaluated: 2024-05-10. Review status: criteria provided, single submitter. Criteria: ACMG Guidelines, 2015. Collection method: clinical testing. Allele origin: de novo. Affected: yes.
Comment: PVS1, PS2, PM2 - This variant is expected to lead to a loss of protein function. It is absent from gnomAD. The variant was detected de novo (paternity confirmed).

NM_001849.4(COL6A2):c.954+1G>A

Gene: COL6A2 (collagen type VI alpha 2 chain; plus strand). Cytogenetic location: 21q22.3.
Variant type: single nucleotide variant.
Coding change: c.954+1G>A on transcript NM_001849.4 (MANE Select); the canonical splice donor site of the intron after coding-DNA position 954, G replaced by A.
Molecular consequence: splice donor variant.
Genome position (GRCh38, 1-based): chr21:46,116,678, G>A. VCF-style: chr21-46116678-G-A. GRCh37 (hg19) VCF-style: chr21-47536592-G-A.
Other names: c.954+1G>A (NM_001849.3, NM_058175.3, NM_058174.3).
Identifiers: ClinVar variation 3256542 (VCV003256542.5).